The following is an entry in ClinVar:

NM_000179.3(MSH6):c.3825T>C (p.Cys1275=)

Gene: MSH6 (mutS homolog 6; plus strand). Cytogenetic location: 2p16.3.
Variant type: single nucleotide variant.
Coding change: c.3825T>C on transcript NM_000179.3 (MANE Select); coding-DNA position 3825, T replaced by C.
Protein change: p.Cys1275=; no amino-acid change (cysteine 1275 retained).
Molecular consequence: synonymous variant.
Genome position (GRCh38, 1-based): chr2:47,806,475, T>C. VCF-style: chr2-47806475-T-C. GRCh37 (hg19) VCF-style: chr2-48033614-T-C.
Other names: c.3435T>C, p.Cys1145= (NM_001281492.2); c.2919T>C, p.Cys973= (NM_001281493.2, NM_001281494.2).
Identifiers: ClinVar variation 506543 (VCV000506543.15), dbSNP rs1553333352, ClinGen allele CA426122111.

ClinVar aggregate classification (germline): Benign/Likely benign. Review status: criteria provided, multiple submitters, no conflicts (2 of 4 stars). 6 submissions from 6 submitters: Benign (1); Likely benign (5). Last evaluated 2025-01-08.

Conditions:
Hereditary nonpolyposis colorectal neoplasms. Identifiers: MedGen C0009405, MeSH D003123.
Lynch syndrome 5 (LYNCH5). Also called: Hereditary non-polyposis colorectal cancer, type 5; Colorectal cancer, hereditary nonpolyposis, type 5. Identifiers: Orphanet 144, MedGen C1833477, MONDO:0013710, OMIM 614350. Disease mechanism: loss of function.
Mismatch repair cancer syndrome 3. Identifiers: MedGen C5436807, MONDO:0030841, OMIM 619097.
Hereditary cancer-predisposing syndrome. Also called: Hereditary neoplastic syndrome; Neoplastic Syndromes, Hereditary; Tumor predisposition; Hereditary Cancer Syndrome. Identifiers: Orphanet 140162, MedGen C0027672, MeSH D009386, MONDO:0015356.

gnomAD v4.1: 3 of 1,614,090 alleles (0.00019%); highest among the groups gnomAD compares: South Asian, 0.0022%; no homozygotes.

Submissions (6):

Myriad Genetics, Inc.
Classification: Benign for Lynch syndrome 5. Last evaluated: 2025-01-08. Review status: criteria provided, single submitter. Criteria: Myriad Autosomal Dominant, Autosomal Recessive and X-Linked Classification Criteria (2023). Collection method: clinical testing. Allele origin: unknown.
Comment: This variant is considered benign. This variant is a silent/synonymous amino acid change and it is not expected to impact splicing.

Department of Pathology and Laboratory Medicine, Sinai Health System
Classification: Likely benign for Mismatch repair cancer syndrome 3. Last evaluated: 2024-04-02. Review status: criteria provided, single submitter. Criteria: ACMG Guidelines, 2015. Collection method: clinical testing. Allele origin: germline. Affected: yes.

Ambry Genetics
Classification: Likely benign for Hereditary cancer-predisposing syndrome. Last evaluated: 2023-08-26. Review status: criteria provided, single submitter. Criteria: Ambry Variant Classification Scheme 2023. Collection method: clinical testing. Allele origin: germline.

Blueprint Genetics
Classification: Likely benign. Last evaluated: 2023-03-03. Review status: criteria provided, single submitter. Criteria: ACMG Guidelines, 2015. Collection method: clinical testing. Allele origin: germline.

Labcorp Genetics (formerly Invitae), Labcorp
Classification: Likely benign for Hereditary nonpolyposis colorectal neoplasms. Last evaluated: 2022-07-06. Review status: criteria provided, single submitter. Criteria: Invitae Variant Classification Sherloc (09022015). Collection method: clinical testing. Allele origin: germline.

GeneDx
Classification: Likely benign. Last evaluated: 2017-10-24. Review status: criteria provided, single submitter. Criteria: GeneDx Variant Classification (06012015). Collection method: clinical testing. Allele origin: germline. Affected: yes.
Comment: This variant is considered likely benign or benign based on one or more of the following criteria: it is a conservative change, it occurs at a poorly conserved position in the protein, it is predicted to be benign by multiple in silico algorithms, and/or has population frequency not consistent with disease.